The following is an entry in ClinVar:

NM_052876.4(NACC1):c.136G>C (p.Ala46Pro)

Gene: NACC1 (nucleus accumbens associated 1; plus strand). Cytogenetic location: 19p13.13.
Variant type: single nucleotide variant.
Coding change: c.136G>C on transcript NM_052876.4 (MANE Select); coding-DNA position 136, G replaced by C.
Protein change: p.Ala46Pro; replaces alanine 46 with proline.
Molecular consequence: missense variant.
Genome position (GRCh38, 1-based): chr19:13,135,343, G>C. VCF-style: chr19-13135343-G-C. GRCh37 (hg19) VCF-style: chr19-13246157-G-C.
Other names: short protein forms A46P.
Identifiers: ClinVar variation 2696111 (VCV002696111.3), dbSNP rs2513135245, ClinGen allele CA404324374.

ClinVar aggregate classification (germline): Uncertain significance (1 of 4 stars; one submission).

Submission:

Labcorp Genetics (formerly Invitae), Labcorp
Classification: Uncertain significance. Last evaluated: 2023-11-15. Review status: criteria provided, single submitter. Criteria: Invitae Variant Classification Sherloc (09022015). Collection method: clinical testing. Allele origin: germline.
Comment: This sequence change replaces alanine, which is neutral and non-polar, with proline, which is neutral and non-polar, at codon 46 of the NACC1 protein (p.Ala46Pro). This variant is not present in population databases (gnomAD no frequency). This variant has not been reported in the literature in individuals affected with NACC1-related conditions. Advanced modeling of protein sequence and biophysical properties (such as structural, functional, and spatial information, amino acid conservation, physicochemical variation, residue mobility, and thermodynamic stability) performed at Invitae indicates that this missense variant is not expected to disrupt NACC1 protein function with a negative predictive value of 80%. In summary, the available evidence is currently insufficient to determine the role of this variant in disease. Therefore, it has been classified as a Variant of Uncertain Significance.